The following is an entry in ClinVar:

NM_031443.4(CCM2):c.30+5G>T

Genes: CCM2 (CCM2 scaffold protein; plus strand), LOC129998395 (ATAC-STARR-seq lymphoblastoid silent region 18162; plus strand). Cytogenetic location: 7p13.
Variant type: single nucleotide variant.
Coding change: c.30+5G>T on transcript NM_031443.4 (MANE Select); 5 bases into the intron after coding-DNA position 30, G replaced by T.
Molecular consequence: intron variant.
Genome position (GRCh38, 1-based): chr7:45,000,368, G>T. VCF-style: chr7-45000368-G-T. GRCh37 (hg19) VCF-style: chr7-45039967-G-T.
Other names: c.30+5G>T (NM_031443.3, NM_001363458.2, NM_001167935.2 and 2 more transcripts).
Identifiers: ClinVar variation 2759819 (VCV002759819.4), dbSNP rs773187380, ClinGen allele CA4246819.
Genomic context (GRCh38, chr7:45,000,368, plus strand): 5'-GGGCCGCGGGAGCCGCACGCGGCGATATGGAAGAGGAGGGCAAGAAGGGCAAGAAGGTGA[G>T]CGTGCGCGGGGGCGTCCTACTGCTGTGGTCGGCGGGCGGCTGGGTTGAGGGGCCAGGGTG-3'

ClinVar aggregate classification (germline): Pathogenic/Likely pathogenic. Review status: criteria provided, multiple submitters, no conflicts (2 of 4 stars). 2 submissions from 2 submitters: Pathogenic (1); Likely pathogenic (1). Last evaluated 2026-04-07.

Conditions:
Cerebral cavernous malformation 2. Also called: Familial Cerebral Cavernous Malformation 2. Identifiers: Orphanet 221061, MedGen C1864041, MONDO:0011304, OMIM 603284.
CCM2-related disorder. Also called: CCM2-related condition.

Allele frequency attached by ClinVar (database versions not stated): gnomAD 0.00002; gnomAD exomes 0.00003; TOPMed 0.00003; ExAC 0.00021.
gnomAD v4.1: 33 of 1,300,798 alleles (0.0025%); highest among the groups gnomAD compares: Non-Finnish European, 0.00089%; no homozygotes.

Submissions (2):

PreventionGenetics, part of Exact Sciences
Classification: Pathogenic for CCM2-related condition. Last evaluated: 2026-04-07. Review status: criteria provided, single submitter. Criteria: ACMG Guidelines, 2015. Collection method: clinical testing. Allele origin: germline.
Comment: The CCM2 c.30+5G>T variant is predicted to interfere with splicing. To our knowledge, this particular variant has not been reported in the literature. However, two different variants affecting the same nucleotide have been reported to be causative for cerebral cavernous malformations (CCM): c.30+5G>A (Riant et al. 2013. PubMed ID: 23595507) and c.30+5_30+6delinsTT (Riant et al. 2013. PubMed ID: 23595507; Gallione et al. 2011. PubMed ID: 21543988). RNA sequencing demonstrated that both the c.30+5G>A and c.30+5_30+6delinsTT variants disrupt splicing and were predicted to prevent protein translation (Riant et al. 2013. PubMed ID: 23595507). Splicing prediction programs indicate that the c.30+5G>T variant weakens the CCM2 intron 1 splice donor signal (Alamut Visual v2.11). This variant is reported in 0.073% of alleles in individuals of Ashkenazi Jewish descent in gnomAD. This variant is interpreted as pathogenic.

Labcorp Genetics (formerly Invitae), Labcorp
Classification: Likely pathogenic for Cerebral cavernous malformation 2. Last evaluated: 2026-02-01. Review status: criteria provided, single submitter. Criteria: Invitae Variant Classification Sherloc (09022015). Collection method: clinical testing. Allele origin: germline.
Comment: This sequence change falls in intron 1 of the CCM2 gene. It does not directly change the encoded amino acid sequence of the CCM2 protein. It affects a nucleotide within the consensus splice site. The frequency data for this variant in the population databases is considered unreliable, as metrics indicate poor data quality at this position in the gnomAD database. This variant has been observed in individual(s) with cerebral cavernous malformation (internal data). ClinVar contains an entry for this variant (Variation ID: 2759819). Variants that disrupt the consensus splice site are a relatively common cause of aberrant splicing (PMID: 17576681, 9536098). Algorithms developed to predict the effect of sequence changes on RNA splicing suggest that this variant may disrupt the consensus splice site. This variant disrupts the c.30+5 nucleotide in the CCM2 gene. Other variant(s) that disrupt this nucleotide have been determined to be pathogenic (PMID: 23595507; internal data). This suggests that this nucleotide is clinically significant, and that variants that disrupt this position are likely to be disease-causing. In summary, the currently available evidence indicates that the variant is pathogenic, but additional data are needed to prove that conclusively. Therefore, this variant has been classified as Likely Pathogenic.

Literature cited by the submitters: PubMed 17576681 (cited by Labcorp Genetics (formerly Invitae), Labcorp); PubMed 9536098 (cited by Labcorp Genetics (formerly Invitae), Labcorp); PubMed 23595507 (cited by Labcorp Genetics (formerly Invitae), Labcorp).